The following is an entry in ClinVar:

NM_000059.4(BRCA2):c.6917C>G (p.Ala2306Gly)

Gene: BRCA2 (BRCA2 DNA repair associated; plus strand). Cytogenetic location: 13q13.1.
Variant type: single nucleotide variant.
Coding change: c.6917C>G on transcript NM_000059.4 (MANE Select); coding-DNA position 6917, C replaced by G.
Protein change: p.Ala2306Gly; replaces alanine 2306 with glycine.
Molecular consequence: missense variant.
Genome position (GRCh38, 1-based): chr13:32,344,633, C>G. VCF-style: chr13-32344633-C-G. GRCh37 (hg19) VCF-style: chr13-32918770-C-G.
Other names: c.6917C>G (NM_000059.3); short protein forms A2306G.
Identifiers: ClinVar variation 1470270 (VCV001470270.10), dbSNP rs2072598643, ClinGen allele CA387792917.

ClinVar aggregate classification (germline): Uncertain significance. Review status: criteria provided, multiple submitters, no conflicts (2 of 4 stars). 3 submissions from 3 submitters: Uncertain significance (3). Last evaluated 2025-12-14.

Conditions:
Hereditary cancer-predisposing syndrome. Also called: Tumor predisposition; Hereditary Cancer Syndrome; Hereditary neoplastic syndrome; Neoplastic Syndromes, Hereditary. Identifiers: Orphanet 140162, MedGen C0027672, MeSH D009386, MONDO:0015356.
Hereditary breast ovarian cancer syndrome. Also called: BRCA1- and BRCA2-Associated Hereditary Breast and Ovarian Cancer; Hereditary breast and ovarian cancer; Hereditary breast and ovarian cancer syndrome; Hereditary breast and ovarian cancer syndrome (HBOC); Breast and ovarian cancer; Hereditary breast and/or ovarian cancer syndrome. Identifiers: Orphanet 145, MedGen C0677776, MeSH D061325, MONDO:0003582. Disease mechanism: loss of function.

Submissions (3):

Labcorp Genetics (formerly Invitae), Labcorp
Classification: Uncertain significance for Hereditary breast ovarian cancer syndrome. Last evaluated: 2025-12-14. Review status: criteria provided, single submitter. Criteria: Invitae Variant Classification Sherloc (09022015). Collection method: clinical testing. Allele origin: germline.
Comment: This sequence change replaces alanine, which is neutral and non-polar, with glycine, which is neutral and non-polar, at codon 2306 of the BRCA2 protein (p.Ala2306Gly). This variant is not present in population databases (gnomAD no frequency). This variant has not been reported in the literature in individuals affected with BRCA2-related conditions. ClinVar contains an entry for this variant (Variation ID: 1470270). Invitae Evidence Modeling of protein sequence and biophysical properties (such as structural, functional, and spatial information, amino acid conservation, physicochemical variation, residue mobility, and thermodynamic stability) indicates that this missense variant is not expected to disrupt BRCA2 protein function with a negative predictive value of 95%. Studies have shown this missense change is associated with skipping of exon 12, but one or more of the resulting mRNA isoform(s) may be naturally occurring (PMID: 10363970, 10972993, 19795481, 21719596, 27060066). In summary, the available evidence is currently insufficient to determine the role of this variant in disease. Therefore, it has been classified as a Variant of Uncertain Significance.

Ambry Genetics
Classification: Uncertain significance for Hereditary cancer-predisposing syndrome. Last evaluated: 2025-07-12. Review status: criteria provided, single submitter. Criteria: Ambry Variant Classification Scheme 2023. Collection method: clinical testing. Allele origin: germline.
Comment: The p.A2306G variant (also known as c.6917C>G), located in coding exon 11 of the BRCA2 gene, results from a C to G substitution at nucleotide position 6917. The alanine at codon 2306 is replaced by glycine, an amino acid with similar properties. This amino acid position is conserved. In addition, this alteration is predicted to be tolerated by in silico analysis. Based on the available evidence, the clinical significance of this variant remains unclear.

Quest Diagnostics Nichols Institute San Juan Capistrano
Classification: Uncertain significance. Last evaluated: 2023-04-04. Review status: criteria provided, single submitter. Criteria: Quest Diagnostics criteria. Collection method: clinical testing. Allele origin: unknown.
Comment: The variant has not been reported in the published literature. It also has not been reported in large, multi-ethnic general populations. Analysis of this variant using bioinformatics tools for the prediction of the effect of amino acid changes on protein structure and function yielded predictions that this variant is benign. Based on the available information, we are unable to determine the clinical significance of this variant.

Literature cited by the submitters: PubMed 10363970 (cited by Labcorp Genetics (formerly Invitae), Labcorp); PubMed 10972993 (cited by Labcorp Genetics (formerly Invitae), Labcorp); PubMed 19795481 (cited by Labcorp Genetics (formerly Invitae), Labcorp); PubMed 21719596 (cited by Labcorp Genetics (formerly Invitae), Labcorp); PubMed 27060066 (cited by Labcorp Genetics (formerly Invitae), Labcorp).